The following is an entry in ClinVar:

ClinVar aggregate classification (germline): Uncertain significance. Review status: criteria provided, multiple submitters, no conflicts (2 of 4 stars). 3 submissions from 3 submitters: Uncertain significance (3). Last evaluated 2025-01-30.

Conditions:
Inborn genetic diseases. Identifiers: MedGen C0950123, MeSH D030342.

Allele frequency attached by ClinVar (database versions not stated): gnomAD exomes 0.00001; TOPMed 0.00001; ExAC 0.00003; ESP Exome Variant Server 0.00008.
gnomAD v4.1: 24 of 1,613,416 alleles (0.0015%); highest among the groups gnomAD compares: Admixed American, 0.0017%; no homozygotes.

Submissions (3):

Ambry Genetics
Classification: Uncertain significance for Inborn genetic diseases. Last evaluated: 2025-01-30. Review status: criteria provided, single submitter. Criteria: Ambry Variant Classification Scheme 2023. Collection method: clinical testing. Allele origin: germline.

Labcorp Genetics (formerly Invitae), Labcorp
Classification: Uncertain significance. Last evaluated: 2022-05-03. Review status: criteria provided, single submitter. Criteria: Invitae Variant Classification Sherloc (09022015). Collection method: clinical testing. Allele origin: germline.
Comment: This sequence change replaces glycine, which is neutral and non-polar, with serine, which is neutral and polar, at codon 2389 of the DMXL2 protein (p.Gly2389Ser). This variant is present in population databases (rs146673763, gnomAD 0.01%). This variant has not been reported in the literature in individuals affected with DMXL2-related conditions. Algorithms developed to predict the effect of missense changes on protein structure and function are either unavailable or do not agree on the potential impact of this missense change (SIFT: "Deleterious"; PolyPhen-2: "Probably Damaging"; Align-GVGD: "Class C0"). In summary, the available evidence is currently insufficient to determine the role of this variant in disease. Therefore, it has been classified as a Variant of Uncertain Significance.

Blueprint Genetics
Classification: Uncertain significance. Last evaluated: 2021-03-02. Review status: criteria provided, single submitter. Criteria: ACMG Guidelines, 2015. Collection method: clinical testing. Allele origin: germline.

NM_001378457.1(DMXL2):c.7165G>A (p.Gly2389Ser)

Gene: DMXL2 (Dmx like 2; minus strand). Cytogenetic location: 15q21.2.
Variant type: single nucleotide variant.
Coding change: c.7165G>A on transcript NM_001378457.1 (MANE Select); coding-DNA position 7165, G replaced by A.
Protein change: p.Gly2389Ser; replaces glycine 2389 with serine.
Molecular consequence: missense variant. On other transcripts: non-coding transcript variant (2).
Genome position (GRCh38, 1-based): chr15:51,474,392, C>T on the plus strand (G>A on the coding strand, the complement: DMXL2 is on the minus strand). VCF-style: chr15-51474392-C-T. GRCh37 (hg19) VCF-style: chr15-51766589-C-T.
Other names: c.7165G>A (NM_001174116.1); c.7165G>A, p.Gly2389Ser (NM_001174116.3, NM_001378459.1, NM_001378461.1 and 1 more transcripts); c.5254G>A, p.Gly1752Ser (NM_001174117.3); c.7162G>A, p.Gly2388Ser (NM_001378458.1, NM_001378462.1, NM_015263.5); c.5143G>A, p.Gly1715Ser (NM_001378460.1); c.6922G>A, p.Gly2308Ser (NM_001378464.1); short protein forms G2388S, G1715S, G1752S, G2389S, G2308S.
Identifiers: ClinVar variation 1895568 (VCV001895568.5), dbSNP rs146673763, ClinGen allele CA7561414.
Genomic context (GRCh38, chr15:51,474,392, plus strand): 5'-AACGTATCTTACCTGAAATATTTTCTGATTGTCTTCGAGGTTTCACAACAAGTTTTACAC[C>T]GCCTCCAAAAACAGCAGCCCACATTCGATTATTTAATGGGTGGGCTGCAAGCCGAAATAA-3'
Protein context (NP_001365386.1, residues 2379-2399): NRMWAAVFGG[Gly2389Ser]VKLVVKPRRQ